The following is an entry in ClinVar:

NM_003384.3(VRK1):c.546TCT[2] (p.Leu185del)

Gene: VRK1 (VRK serine/threonine kinase 1; plus strand). Cytogenetic location: 14q32.2.
Variant type: Microsatellite.
Coding change: c.546TCT[2] on transcript NM_003384.3 (MANE Select); two copies in a row of the 3-base unit TCT starting at c.546; the reference has three copies in a row; one copy, 3 bases deleted; also written c.552_554del.
Protein change: p.Leu185del; deletes leucine 185.
Molecular consequence: inframe deletion.
Genome position (GRCh38, 1-based): chr14:96,853,142-96,853,144, TCT deleted; deleting any 3 consecutive bases within chr14:96,853,136-96,853,144 gives the same sequence; the position shown is the placement nearest the transcript's 3' end. VCF-style (leftmost placement, unchanged base first): chr14-96853135-ATCT-A. GRCh37 (hg19) VCF-style: chr14-97319472-ATCT-A.
Other names: c.552_554del (NM_003384.3); short protein forms L185del.
Identifiers: ClinVar variation 962224 (VCV000962224.9), dbSNP rs774219368, ClinGen allele CA7339009.
Genomic context (GRCh38, chr14:96,853,135, plus strand): 5'-TGGATATTCTGGAATATATTCACGAGCATGAGTATGTGCATGGAGATATCAAGGCCTCAA[ATCT>A]TCTTCTGAACTACAAGAATCCTGACCAGGTAGTTTTATAACTTTAATTTCTACTATTTAA-3'

ClinVar aggregate classification (germline): Uncertain significance. Review status: criteria provided, single submitter (1 of 4 stars). 2 submissions from 2 submitters: Uncertain significance (1). 1 of the submissions does not count toward it. Last evaluated 2024-12-16.

Conditions:
Pontocerebellar hypoplasia type 1A (PCH1A). Also called: PONTOCEREBELLAR HYPOPLASIA WITH ANTERIOR HORN CELL DISEASE; PONTOCEREBELLAR HYPOPLASIA WITH INFANTILE SPINAL MUSCULAR ATROPHY. Identifiers: Orphanet 2254, Orphanet 88616, MedGen C1843504, MONDO:0011866, OMIM 607596.

Submissions (2):

Labcorp Genetics (formerly Invitae), Labcorp
Classification: Uncertain significance for Pontocerebellar hypoplasia type 1A. Last evaluated: 2024-12-16. Review status: criteria provided, single submitter. Criteria: Invitae Variant Classification Sherloc (09022015). Collection method: clinical testing. Allele origin: germline.
Comment: This variant, c.552_554del, results in the deletion of 1 amino acid(s) of the VRK1 protein (p.Leu185del), but otherwise preserves the integrity of the reading frame. This variant is present in population databases (rs774219368, gnomAD 0.0009%). This variant has not been reported in the literature in individuals affected with VRK1-related conditions. ClinVar contains an entry for this variant (Variation ID: 962224). Experimental studies and prediction algorithms are not available or were not evaluated, and the functional significance of this variant is currently unknown. In summary, the available evidence is currently insufficient to determine the role of this variant in disease. Therefore, it has been classified as a Variant of Uncertain Significance.

Natera, Inc.
Classification: Uncertain significance for Pontocerebellar hypoplasia, type 1a. Last evaluated: 2021-02-25. Review status: no assertion criteria provided. Collection method: clinical testing. Allele origin: germline. Not counted in ClinVar's aggregate classification.